The following is an entry in ClinVar:

NM_000135.4(FANCA):c.152T>G (p.Leu51Arg)

Gene: FANCA (FA complementation group A; minus strand). Cytogenetic location: 16q24.3.
Variant type: single nucleotide variant.
Coding change: c.152T>G on transcript NM_000135.4 (MANE Select); coding-DNA position 152, T replaced by G.
Protein change: p.Leu51Arg; replaces leucine 51 with arginine.
Molecular consequence: missense variant.
Genome position (GRCh38, 1-based): chr16:89,815,914, A>C on the plus strand (T>G on the coding strand, the complement: FANCA is on the minus strand). VCF-style: chr16-89815914-A-C. GRCh37 (hg19) VCF-style: chr16-89882322-A-C.
Other names: c.152T>G, p.Leu51Arg (NM_001018112.3, NM_001286167.3, NM_001351830.2); short protein forms L51R.
Identifiers: ClinVar variation 4619247 (VCV004619247.1).

ClinVar aggregate classification (germline): Uncertain significance (1 of 4 stars; one submission).

Conditions:
Inborn genetic diseases. Identifiers: MedGen C0950123, MeSH D030342.

Submission:

Ambry Genetics
Classification: Uncertain significance for Inborn genetic diseases. Last evaluated: 2025-11-04. Review status: criteria provided, single submitter. Criteria: Ambry Variant Classification Scheme 2023. Collection method: clinical testing. Allele origin: germline.
Comment: The p.L51R variant (also known as c.152T>G), located in coding exon 2 of the FANCA gene, results from a T to G substitution at nucleotide position 152. The leucine at codon 51 is replaced by arginine, an amino acid with dissimilar properties. This amino acid position is conserved. In addition, the in silico prediction for this alteration is inconclusive. Based on the available evidence, the clinical significance of this variant remains unclear.